The following is an entry in ClinVar:

NM_001281740.3(FHOD3):c.3907G>A (p.Glu1303Lys)

Gene: FHOD3 (formin homology 2 domain containing 3; plus strand). Cytogenetic location: 18q12.2.
Variant type: single nucleotide variant.
Coding change: c.3907G>A on transcript NM_001281740.3 (MANE Select); coding-DNA position 3907, G replaced by A.
Protein change: p.Glu1303Lys; replaces glutamic acid 1303 with lysine.
Molecular consequence: missense variant.
Genome position (GRCh38, 1-based): chr18:36,744,059, G>A. VCF-style: chr18-36744059-G-A. GRCh37 (hg19) VCF-style: chr18-34324022-G-A.
Other names: c.3331G>A, p.Glu1111Lys (NM_001281739.3); c.3382G>A, p.Glu1128Lys (NM_025135.5); c.3907G>A (NM_001281740.2); short protein forms E1111K, E1128K, E1303K.
Identifiers: ClinVar variation 2592212 (VCV002592212.3), dbSNP rs144885199, ClinGen allele CA8942228.

ClinVar aggregate classification (germline): Uncertain significance. Review status: criteria provided, multiple submitters, no conflicts (2 of 4 stars). 2 submissions from 2 submitters: Uncertain significance (2). Last evaluated 2026-05-07.

Conditions:
FHOD3-related disorder. Also called: FHOD3-related condition.
Inborn genetic diseases. Identifiers: MedGen C0950123, MeSH D030342.

Allele frequency attached by ClinVar (database versions not stated): ExAC 0.00001; gnomAD 0.00003; gnomAD exomes 0.00004; TOPMed 0.00004; ESP Exome Variant Server 0.00008.
gnomAD v4.1: 61 of 1,614,046 alleles (0.0038%); highest among the groups gnomAD compares: Non-Finnish European, 0.0047%; no homozygotes.

Submissions (2):

PreventionGenetics, part of Exact Sciences
Classification: Uncertain significance for FHOD3-related condition. Last evaluated: 2026-05-07. Review status: criteria provided, single submitter. Criteria: ACMG Guidelines, 2015. Collection method: clinical testing. Allele origin: germline.
Comment: The FHOD3 c.3907G>A variant is predicted to result in the amino acid substitution p.Glu1303Lys. To our knowledge, this variant has not been reported in the literature. This variant is reported in 0.0033% of alleles in individuals of South Asian descent in gnomAD. At this time, the clinical significance of this variant is uncertain due to the absence of conclusive functional and genetic evidence.

Ambry Genetics
Classification: Uncertain significance for Inborn genetic diseases. Last evaluated: 2023-08-14. Review status: criteria provided, single submitter. Criteria: Ambry Variant Classification Scheme 2023. Collection method: clinical testing. Allele origin: germline.